The following is an entry in ClinVar:

NM_000368.5(TSC1):c.2873T>G (p.Phe958Cys)

Gene: TSC1 (TSC complex subunit 1; minus strand). Cytogenetic location: 9q34.13.
Variant type: single nucleotide variant.
Coding change: c.2873T>G on transcript NM_000368.5 (MANE Select); coding-DNA position 2873, T replaced by G.
Protein change: p.Phe958Cys; replaces phenylalanine 958 with cysteine.
Molecular consequence: missense variant.
Genome position (GRCh38, 1-based): chr9:132,897,286, A>C on the plus strand (T>G on the coding strand, the complement: TSC1 is on the minus strand). VCF-style: chr9-132897286-A-C. GRCh37 (hg19) VCF-style: chr9-135772673-A-C.
Other names: c.2870T>G, p.Phe957Cys (NM_001162426.2); c.2720T>G, p.Phe907Cys (NM_001162427.2); c.2510T>G, p.Phe837Cys (NM_001362177.2); short protein forms F837C, F907C, F957C, F958C.
Identifiers: ClinVar variation 1312546 (VCV001312546.2), dbSNP rs2131626774, ClinGen allele CA375368819.
Genomic context (GRCh38, chr9:132,897,286, plus strand): 5'-AGTTTTTTCAGGAGGCCATCTTTCTCCAACCTGCCATATAAATCTAAGATCTCCAATTCA[A>C]ACACCTGGGTTATCCTTTTCTGAGCCTCATACCTGCTCTCTGCGGCCTGCAGCTGTCCTC-3'
Protein context (NP_000359.1, residues 948-968): YEAQKRITQV[Phe958Cys]ELEILDLYGR

ClinVar aggregate classification (germline): Uncertain significance (1 of 4 stars; one submission).

Submission:

GeneDx
Classification: Uncertain significance. Last evaluated: 2020-03-12. Review status: criteria provided, single submitter. Criteria: GeneDx Variant Classification Process June 2021. Collection method: clinical testing. Allele origin: germline. Affected: yes.
Comment: Not observed in large population cohorts (Lek 2016); While protein-based in silico analysis supports that this variant does not alter protein structure/function, splice predictors support a deleterious effect.; Has not been previously published as pathogenic or benign to our knowledge